The following is an entry in ClinVar:

ClinVar aggregate classification (germline): Uncertain significance (1 of 4 stars; one submission).

Conditions:
Inborn genetic diseases. Identifiers: MedGen C0950123, MeSH D030342.

Submission:

Ambry Genetics
Classification: Uncertain significance for Inborn genetic diseases. Last evaluated: 2025-04-11. Review status: criteria provided, single submitter. Criteria: Ambry Variant Classification Scheme 2023. Collection method: clinical testing. Allele origin: germline.
Comment: The p.K692R variant (also known as c.2075A>G), located in coding exon 1 of the SAMD9L gene, results from an A to G substitution at nucleotide position 2075. The lysine at codon 692 is replaced by arginine, an amino acid with highly similar properties. This amino acid position is conserved. In addition, this alteration is predicted to be tolerated by in silico analysis. Based on the available evidence, the clinical significance of this variant remains unclear.

NM_152703.5(SAMD9L):c.2075A>G (p.Lys692Arg)

Gene: SAMD9L (sterile alpha motif domain containing 9 like; minus strand). Cytogenetic location: 7q21.2.
Variant type: single nucleotide variant.
Coding change: c.2075A>G on transcript NM_152703.5 (MANE Select); coding-DNA position 2075, A replaced by G.
Protein change: p.Lys692Arg; replaces lysine 692 with arginine.
Molecular consequence: missense variant.
Genome position (GRCh38, 1-based): chr7:93,133,897, T>C on the plus strand (A>G on the coding strand, the complement: SAMD9L is on the minus strand). VCF-style: chr7-93133897-T-C. GRCh37 (hg19) VCF-style: chr7-92763210-T-C.
Other names: c.2075A>G, p.Lys692Arg (NM_001303496.3, NM_001303497.3, NM_001303498.3 and 5 more transcripts); short protein forms K692R.
Identifiers: ClinVar variation 3949750 (VCV003949750.1).